The following is an entry in ClinVar:

ClinVar aggregate classification (germline): Uncertain significance (1 of 4 stars; one submission).

Conditions:
Epidermolysis bullosa simplex 5B, with muscular dystrophy (EBS5B). Also called: EPIDERMOLYSIS BULLOSA SIMPLEX AND LIMB-GIRDLE MUSCULAR DYSTROPHY; Epidermolysis bullosa simplex with muscular dystrophy. Identifiers: Orphanet 257, MedGen C2931072, MONDO:0009181, OMIM 226670.
Epidermolysis bullosa simplex, Ogna type (EBS5A). Also called: Pidermolysis bullosa simplex 5A, Ogna type; EPIDERMOLYSIS BULLOSA SIMPLEX 5A, OGNA TYPE. Identifiers: Orphanet 79401, MedGen C0432317, MONDO:0007555, OMIM 131950.
Epidermolysis bullosa simplex with nail dystrophy (EBS5D). Identifiers: MedGen C4225309, MONDO:0014661, OMIM 616487.
Autosomal recessive limb-girdle muscular dystrophy type 2Q (LGMDR17). Also called: MUSCULAR DYSTROPHY, LIMB-GIRDLE, AUTOSOMAL RECESSIVE 17. Identifiers: Orphanet 254361, MedGen C3150989, MONDO:0013390, OMIM 613723.
Epidermolysis bullosa simplex 5C, with pyloric atresia (EBS5C). Also called: PLEC1-Related Epidermolysis Bullosa with Pyloric Atresia; Epidermolysis bullosa simplex with pyloric atresia; PLEC-Related Epidermolysis Bullosa with Pyloric Atresia. Identifiers: Orphanet 158684, MedGen C2677349, MONDO:0012807, OMIM 612138.

gnomAD v4.1: 4 of 1,613,006 alleles (0.00025%); highest among the groups gnomAD compares: African/African-American, 0.0027%; no homozygotes.

Submission:

Labcorp Genetics (formerly Invitae), Labcorp
Classification: Uncertain significance for Autosomal recessive limb-girdle muscular dystrophy type 2Q; Epidermolysis bullosa simplex, Ogna type; Epidermolysis bullosa simplex with nail dystrophy; Epidermolysis bullosa simplex 5C, with pyloric atresia; Epidermolysis bullosa simplex 5B, with muscular dystrophy. Last evaluated: 2022-02-20. Review status: criteria provided, single submitter. Criteria: Invitae Variant Classification Sherloc (09022015). Collection method: clinical testing. Allele origin: germline.
Comment: In summary, the available evidence is currently insufficient to determine the role of this variant in disease. Therefore, it has been classified as a Variant of Uncertain Significance. Algorithms developed to predict the effect of missense changes on protein structure and function are either unavailable or do not agree on the potential impact of this missense change (SIFT: "Deleterious"; PolyPhen-2: "Not Available"; Align-GVGD: "Class C0"). This variant has not been reported in the literature in individuals affected with PLEC-related conditions. This variant is not present in population databases (gnomAD no frequency). This sequence change replaces aspartic acid, which is acidic and polar, with histidine, which is basic and polar, at codon 362 of the PLEC protein (p.Asp362His).

NM_201384.3(PLEC):c.1003G>C (p.Asp335His)

Gene: PLEC (plectin; minus strand). Cytogenetic location: 8q24.3.
Variant type: single nucleotide variant.
Coding change: c.1003G>C on transcript NM_201384.3 (MANE Select); coding-DNA position 1003, G replaced by C.
Protein change: p.Asp335His; replaces aspartic acid 335 with histidine.
Molecular consequence: missense variant.
Genome position (GRCh38, 1-based): chr8:143,934,673, C>G on the plus strand (G>C on the coding strand, the complement: PLEC is on the minus strand). VCF-style: chr8-143934673-C-G. GRCh37 (hg19) VCF-style: chr8-145008841-C-G.
Other names: c.1084G>C, p.Asp362His (NM_000445.5, NM_001410941.1); c.961G>C, p.Asp321His (NM_201378.4); c.937G>C, p.Asp313His (NM_201379.3); c.1414G>C, p.Asp472His (NM_201380.4); c.907G>C, p.Asp303His (NM_201381.3); c.1003G>C, p.Asp335His (NM_201382.4); c.1015G>C, p.Asp339His (NM_201383.3); short protein forms D313H, D472H, D335H, D362H, D303H, D321H, D339H.
Identifiers: ClinVar variation 1908415 (VCV001908415.5), dbSNP rs367862127, ClinGen allele CA372585421.